The following is an entry in ClinVar:

NM_014714.4(IFT140):c.3850G>A (p.Gly1284Ser)

Gene: IFT140 (intraflagellar transport 140; minus strand). Cytogenetic location: 16p13.3.
Variant type: single nucleotide variant.
Coding change: c.3850G>A on transcript NM_014714.4 (MANE Select); coding-DNA position 3850, G replaced by A.
Protein change: p.Gly1284Ser; replaces glycine 1284 with serine.
Molecular consequence: missense variant.
Genome position (GRCh38, 1-based): chr16:1,520,154, C>T on the plus strand (G>A on the coding strand, the complement: IFT140 is on the minus strand). VCF-style: chr16-1520154-C-T. GRCh37 (hg19) VCF-style: chr16-1570155-C-T.
Other names: short protein forms G1284S.
Identifiers: ClinVar variation 1306767 (VCV001306767.3), dbSNP rs1355939213, ClinGen allele CA394224272.
Genomic context (GRCh38, chr16:1,520,154, plus strand): 5'-CCCGGGGCCCCGCTGGCATGCCAGGGAGGGCCTGCACCTGGGCACAAGCGTCATAAAAGC[C>T]AGCCAGGAGGTCCAGGGCCCGCCCCTTGGTGTAGAAGCCGATGATGTTCTTCATGATCTC-3'
Protein context (NP_055529.2, residues 1274-1294): TKGRALDLLA[Gly1284Ser]FYDACAQVEI

ClinVar aggregate classification (germline): Uncertain significance. Review status: criteria provided, multiple submitters, no conflicts (2 of 4 stars). 2 submissions from 2 submitters: Uncertain significance (2). Last evaluated 2023-08-28.

gnomAD v4.1: 2 of 1,614,178 alleles (0.00012%); highest among the groups gnomAD compares: Non-Finnish European, 0.00017%; no homozygotes.

Submissions (2):

Blueprint Genetics
Classification: Uncertain significance. Last evaluated: 2023-08-28. Review status: criteria provided, single submitter. Criteria: ACMG Guidelines, 2015. Collection method: clinical testing. Allele origin: germline.

GeneDx
Classification: Uncertain significance. Last evaluated: 2019-07-11. Review status: criteria provided, single submitter. Criteria: GeneDx Variant Classification Process June 2021. Collection method: clinical testing. Allele origin: germline. Affected: yes.
Comment: Not observed in large population cohorts (Lek et al., 2016); In silico analysis, which includes protein predictors and evolutionary conservation, supports that this variant does not alter protein structure/function; Has not been previously published as pathogenic or benign to our knowledge